The following is an entry in ClinVar:

ClinVar aggregate classification (germline): Uncertain significance (1 of 4 stars; one submission).

Submission:

Labcorp Genetics (formerly Invitae), Labcorp
Classification: Uncertain significance. Last evaluated: 2022-08-06. Review status: criteria provided, single submitter. Criteria: Invitae Variant Classification Sherloc (09022015). Collection method: clinical testing. Allele origin: germline.
Comment: In summary, the available evidence is currently insufficient to determine the role of this variant in disease. Therefore, it has been classified as a Variant of Uncertain Significance. Algorithms developed to predict the effect of missense changes on protein structure and function are either unavailable or do not agree on the potential impact of this missense change (SIFT: "Tolerated"; PolyPhen-2: "Possibly Damaging"; Align-GVGD: "Class C0"). This variant has not been reported in the literature in individuals affected with TNFRSF6B-related conditions. This variant is not present in population databases (gnomAD no frequency). This sequence change replaces alanine, which is neutral and non-polar, with glutamic acid, which is acidic and polar, at codon 251 of the TNFRSF6B protein (p.Ala251Glu).

NM_003823.4(TNFRSF6B):c.752C>A (p.Ala251Glu)

Genes: RTEL1-TNFRSF6B (RTEL1-TNFRSF6B readthrough (NMD candidate); plus strand), TNFRSF6B (TNF receptor superfamily member 6b; plus strand). Cytogenetic location: 20q13.33.
Variant type: single nucleotide variant.
Coding change: c.752C>A on transcript NM_003823.4 (MANE Select); coding-DNA position 752, C replaced by A.
Protein change: p.Ala251Glu; replaces alanine 251 with glutamic acid.
Molecular consequence: missense variant. On other transcripts: non-coding transcript variant (1).
Genome position (GRCh38, 1-based): chr20:63,698,412, C>A. VCF-style: chr20-63698412-C-A. GRCh37 (hg19) VCF-style: chr20-62329765-C-A.
Other names: short protein forms A251E.
Identifiers: ClinVar variation 1715331 (VCV001715331.6), dbSNP rs937966789, ClinGen allele CA317536256.
Genomic context (GRCh38, chr20:63,698,412, plus strand): 5'-GGCTGCTGCAGGCCCTCGAGGCCCCGGAGGGCTGGGGTCCGACACCAAGGGCGGGCCGCG[C>A]GGCCTTGCAGCTGAAGCTGCGTCGGCGGCTCACGGAGCTCCTGGGGGCGCAGGACGGGGC-3'
Protein context (NP_003814.1, residues 241-261): GWGPTPRAGR[Ala251Glu]ALQLKLRRRL